The following is an entry in ClinVar:

NM_014208.3(DSPP):c.3360C>T (p.Ser1120=)

Genes: DMP1-AS1 (DMP1 and DSPP antisense RNA 1; minus strand), DSPP (dentin sialophosphoprotein; plus strand). Cytogenetic location: 4q22.1.
Variant type: single nucleotide variant.
Coding change: c.3360C>T on transcript NM_014208.3 (MANE Select); coding-DNA position 3360, C replaced by T.
Protein change: p.Ser1120=; no amino-acid change (serine 1120 retained).
Molecular consequence: synonymous variant.
Genome position (GRCh38, 1-based): chr4:87,616,022, C>T. VCF-style: chr4-87616022-C-T. GRCh37 (hg19) VCF-style: chr4-88537174-C-T.
Identifiers: ClinVar variation 4821029 (VCV004821029.4).

ClinVar aggregate classification (germline): Likely benign (1 of 4 stars; one submission).

Submission:

CeGaT Center for Human Genetics Tuebingen
Classification: Likely benign. Last evaluated: 2025-12-01. Review status: criteria provided, single submitter. Criteria: CeGaT Center For Human Genetics Tuebingen Variant Classification Criteria Version 2. Collection method: clinical testing. Allele origin: germline. Affected: yes. Observed: 1 variant allele.
Comment: DSPP: PM2:Supporting, BP4, BP7